The following is an entry in ClinVar:

ClinVar aggregate classification (germline): Uncertain significance. Review status: criteria provided, multiple submitters, no conflicts (2 of 4 stars). 2 submissions from 2 submitters: Uncertain significance (2). Last evaluated 2026-02-18.

Submissions (2):

GeneDx
Classification: Uncertain significance. Last evaluated: 2026-02-18. Review status: criteria provided, single submitter. Criteria: GeneDx Variant Classification Process June 2021. Collection method: clinical testing. Allele origin: germline.
Comment: Not observed at significant frequency in large population cohorts (gnomAD); In silico analysis suggests that this missense variant does not alter protein structure/function; Has not been previously published as pathogenic or benign to our knowledge

Blueprint Genetics
Classification: Uncertain significance. Last evaluated: 2019-12-02. Review status: criteria provided, single submitter. Criteria: ACMG Guidelines, 2015. Collection method: clinical testing. Allele origin: germline.

NM_003239.5(TGFB3):c.544A>C (p.Lys182Gln)

Gene: TGFB3 (transforming growth factor beta 3; minus strand). Cytogenetic location: 14q24.3.
Variant type: single nucleotide variant.
Coding change: c.544A>C on transcript NM_003239.5 (MANE Select); coding-DNA position 544, A replaced by C.
Protein change: p.Lys182Gln; replaces lysine 182 with glutamine.
Molecular consequence: missense variant.
Genome position (GRCh38, 1-based): chr14:75,971,228, T>G on the plus strand (A>C on the coding strand, the complement: TGFB3 is on the minus strand). VCF-style: chr14-75971228-T-G. GRCh37 (hg19) VCF-style: chr14-76437571-T-G.
Other names: c.544A>C, p.Lys182Gln (NM_001329938.2, NM_001329939.2); short protein forms K182Q.
Identifiers: ClinVar variation 4922522 (VCV004922522.2).
Genomic context (GRCh38, chr14:75,971,228, plus strand): 5'-AGGACAGCCACTCGGCAGTGCCCCGTGTGGGCAGATTCTTGCCACCGATATAGCGCTGTT[T>G]GGCAATGTGCTCATCTGGCCGAAGGATCTACAGGGCAGAGAAAGGAGTGAGTACCCGAGA-3'
Protein context (NP_003230.1, residues 172-192): QILRPDEHIA[Lys182Gln]QRYIGGKNLP